The following is an entry in ClinVar:

ClinVar aggregate classification (germline): Uncertain significance. Review status: criteria provided, multiple submitters, no conflicts (2 of 4 stars). 2 submissions from 2 submitters: Uncertain significance (2). Last evaluated 2024-12-11.

Conditions:
Chédiak-Higashi syndrome (CHS). Also called: Chediak-Higashi Syndrome. Identifiers: Orphanet 167, MedGen C0007965, MONDO:0008963, OMIM 214500.
Inborn genetic diseases. Identifiers: MedGen C0950123, MeSH D030342.

Submissions (2):

Ambry Genetics
Classification: Uncertain significance for Inborn genetic diseases. Last evaluated: 2024-12-11. Review status: criteria provided, single submitter. Criteria: Ambry Variant Classification Scheme 2023. Collection method: clinical testing. Allele origin: germline.

Labcorp Genetics (formerly Invitae), Labcorp
Classification: Uncertain significance for Chédiak-Higashi syndrome. Last evaluated: 2023-05-17. Review status: criteria provided, single submitter. Criteria: Invitae Variant Classification Sherloc (09022015). Collection method: clinical testing. Allele origin: germline.
Comment: Algorithms developed to predict the effect of sequence changes on RNA splicing suggest that this variant may create or strengthen a splice site. Advanced modeling of protein sequence and biophysical properties (such as structural, functional, and spatial information, amino acid conservation, physicochemical variation, residue mobility, and thermodynamic stability) performed at Invitae indicates that this missense variant is not expected to disrupt LYST protein function. This variant has not been reported in the literature in individuals affected with LYST-related conditions. This variant is not present in population databases (gnomAD no frequency). This sequence change replaces alanine, which is neutral and non-polar, with threonine, which is neutral and polar, at codon 1574 of the LYST protein (p.Ala1574Thr). In summary, the available evidence is currently insufficient to determine the role of this variant in disease. Therefore, it has been classified as a Variant of Uncertain Significance.

NM_000081.4(LYST):c.4720G>A (p.Ala1574Thr)

Gene: LYST (lysosomal trafficking regulator; minus strand). Cytogenetic location: 1q42.3.
Variant type: single nucleotide variant.
Coding change: c.4720G>A on transcript NM_000081.4 (MANE Select); coding-DNA position 4720, G replaced by A.
Protein change: p.Ala1574Thr; replaces alanine 1574 with threonine.
Molecular consequence: missense variant.
Genome position (GRCh38, 1-based): chr1:235,787,342, C>T on the plus strand (G>A on the coding strand, the complement: LYST is on the minus strand). VCF-style: chr1-235787342-C-T. GRCh37 (hg19) VCF-style: chr1-235950642-C-T.
Other names: c.4720G>A (NM_000081.2); c.4720G>A, p.Ala1574Thr (NM_001301365.1); short protein forms A1574T.
Identifiers: ClinVar variation 2727761 (VCV002727761.4), dbSNP rs2528090942, ClinGen allele CA344957713.